The following is an entry in ClinVar:

ClinVar aggregate classification (germline): Uncertain significance (1 of 4 stars; one submission).

Conditions:
Inborn genetic diseases. Identifiers: MedGen C0950123, MeSH D030342.

Submission:

Ambry Genetics
Classification: Uncertain significance for Inborn genetic diseases. Last evaluated: 2023-02-09. Review status: criteria provided, single submitter. Criteria: Ambry Variant Classification Scheme 2023. Collection method: clinical testing. Allele origin: germline.
Comment: The p.R159W variant (also known as c.475C>T), located in coding exon 2 of the ACD gene, results from a C to T substitution at nucleotide position 475. The arginine at codon 159 is replaced by tryptophan, an amino acid with dissimilar properties. This amino acid position is conserved. In addition, this alteration is predicted to be tolerated by in silico analysis. Since supporting evidence is limited at this time, the clinical significance of this alteration remains unclear.

NM_001082486.2(ACD):c.217C>T (p.Arg73Trp)

Gene: ACD (ACD shelterin complex subunit and telomerase recruitment factor; minus strand). Cytogenetic location: 16q22.1.
Variant type: single nucleotide variant.
Coding change: c.217C>T on transcript NM_001082486.2 (MANE Select); coding-DNA position 217, C replaced by T.
Protein change: p.Arg73Trp; replaces arginine 73 with tryptophan.
Molecular consequence: missense variant.
Genome position (GRCh38, 1-based): chr16:67,659,928, G>A on the plus strand (C>T on the coding strand, the complement: ACD is on the minus strand). VCF-style: chr16-67659928-G-A. GRCh37 (hg19) VCF-style: chr16-67693831-G-A.
Other names: c.217C>T, p.Arg73Trp (NM_001410884.1); c.208C>T, p.Arg70Trp (NM_022914.3); short protein forms R70W, R73W.
Identifiers: ClinVar variation 2452452 (VCV002452452.2), dbSNP rs2543610119, ClinGen allele CA396356512.